The following is an entry in ClinVar:

NM_001122764.3(PPOX):c.781A>C (p.Ser261Arg)

Gene: PPOX (protoporphyrinogen oxidase; plus strand). Cytogenetic location: 1q23.3.
Variant type: single nucleotide variant.
Coding change: c.781A>C on transcript NM_001122764.3 (MANE Select); coding-DNA position 781, A replaced by C.
Protein change: p.Ser261Arg; replaces serine 261 with arginine.
Molecular consequence: missense variant.
Genome position (GRCh38, 1-based): chr1:161,169,157, A>C. VCF-style: chr1-161169157-A-C. GRCh37 (hg19) VCF-style: chr1-161138947-A-C.
Other names: p.Ser261Arg; c.781A>C, p.Ser261Arg (NM_000309.5, NM_001365398.1, NM_001365399.1); c.682A>C, p.Ser228Arg (NM_001350128.2); c.373A>C, p.Ser125Arg (NM_001350129.2, NM_001365400.1); c.295A>C, p.Ser99Arg (NM_001350130.2, NM_001350131.2, NM_001365401.1); short protein forms S125R, S228R, S261R, S99R.
Identifiers: ClinVar variation 3380125 (VCV003380125.1).

ClinVar aggregate classification (germline): Uncertain significance (1 of 4 stars; one submission).

gnomAD v4.1: 170 of 1,614,130 alleles (0.011%); highest among the groups gnomAD compares: South Asian, 0.058%; 3 homozygotes.

Submission:

Mayo Clinic Laboratories, Mayo Clinic
Classification: Uncertain significance. Last evaluated: 2023-11-03. Review status: criteria provided, single submitter. Criteria: ACMG Guidelines, 2015. Collection method: clinical testing. Allele origin: germline. Observed: 1 variant allele.
Comment: BP4